The following is an entry in ClinVar:

ClinVar aggregate classification (germline): Uncertain significance (1 of 4 stars; one submission).

Conditions:
Facioscapulohumeral muscular dystrophy 2 (FSHD2). Also called: FACIOSCAPULOHUMERAL MUSCULAR DYSTROPHY 2, DIGENIC; FSHD2, DIGENIC; MUSCULAR DYSTROPHY, FACIOSCAPULOHUMERAL, TYPE 1B. Identifiers: Orphanet 269, MedGen C1834671, MONDO:0008031, OMIM 158901.

gnomAD v4.1: 2 of 1,572,144 alleles (0.00013%); highest among the groups gnomAD compares: Non-Finnish European, 0.000086%; no homozygotes.

Submission:

Labcorp Genetics (formerly Invitae), Labcorp
Classification: Uncertain significance for Facioscapulohumeral muscular dystrophy 2. Last evaluated: 2024-01-15. Review status: criteria provided, single submitter. Criteria: Invitae Variant Classification Sherloc (09022015). Collection method: clinical testing. Allele origin: germline.
Comment: This sequence change replaces histidine, which is basic and polar, with proline, which is neutral and non-polar, at codon 1317 of the SMCHD1 protein (p.His1317Pro). This variant is not present in population databases (gnomAD no frequency). This variant has not been reported in the literature in individuals affected with SMCHD1-related conditions. ClinVar contains an entry for this variant (Variation ID: 1460602). Advanced modeling of protein sequence and biophysical properties (such as structural, functional, and spatial information, amino acid conservation, physicochemical variation, residue mobility, and thermodynamic stability) performed at Invitae indicates that this missense variant is not expected to disrupt SMCHD1 protein function with a negative predictive value of 80%. In summary, the available evidence is currently insufficient to determine the role of this variant in disease. Therefore, it has been classified as a Variant of Uncertain Significance.

NM_015295.3(SMCHD1):c.3950A>C (p.His1317Pro)

Gene: SMCHD1 (structural maintenance of chromosomes flexible hinge domain containing 1; plus strand). Cytogenetic location: 18p11.32.
Variant type: single nucleotide variant.
Coding change: c.3950A>C on transcript NM_015295.3 (MANE Select); coding-DNA position 3950, A replaced by C.
Protein change: p.His1317Pro; replaces histidine 1317 with proline.
Molecular consequence: missense variant.
Genome position (GRCh38, 1-based): chr18:2,750,065, A>C. VCF-style: chr18-2750065-A-C. GRCh37 (hg19) VCF-style: chr18-2750063-A-C.
Other names: short protein forms H1317P.
Identifiers: ClinVar variation 1460602 (VCV001460602.8), dbSNP rs2143616515, ClinGen allele CA401691414.
Genomic context (GRCh38, chr18:2,750,065, plus strand): 5'-ATTTTCTAATTAACCATTTTGTTTTGTTTTGTTTTTAGCTCATGCCTTCAAACCAACAGC[A>C]TAAAACAGATGAGAAAGGCAGGGCTAATTTGGGAGTATTCAGTGTTTTTGCCCCTAGGTA-3'
Protein context (NP_056110.2, residues 1307-1327): NLKLMPSNQQ[His1317Pro]KTDEKGRANL